The following is an entry in ClinVar:

NM_000901.5(NR3C2):c.1380T>A (p.Phe460Leu)

Gene: NR3C2 (nuclear receptor subfamily 3 group C member 2; minus strand). Cytogenetic location: 4q31.23.
Variant type: single nucleotide variant.
Coding change: c.1380T>A on transcript NM_000901.5 (MANE Select); coding-DNA position 1380, T replaced by A.
Protein change: p.Phe460Leu; replaces phenylalanine 460 with leucine.
Molecular consequence: missense variant. On other transcripts: non-coding transcript variant (1).
Genome position (GRCh38, 1-based): chr4:148,435,481, A>T on the plus strand (T>A on the coding strand, the complement: NR3C2 is on the minus strand). VCF-style: chr4-148435481-A-T. GRCh37 (hg19) VCF-style: chr4-149356633-A-T.
Other names: c.1380T>A, p.Phe460Leu (NM_001166104.2, NM_001354819.1); short protein forms F460L.
Identifiers: ClinVar variation 903349 (VCV000903349.7), dbSNP rs149589666, ClinGen allele CA3100318.

ClinVar aggregate classification (germline): Conflicting classifications of pathogenicity. Review status: criteria provided, conflicting classifications (1 of 4 stars). 3 submissions from 3 submitters: Uncertain significance (2); Likely benign (1). Last evaluated 2025-04-19.

Conditions:
Inborn genetic diseases. Identifiers: MedGen C0950123, MeSH D030342.
Autosomal dominant pseudohypoaldosteronism type 1. Also called: Pseudohypoaldosteronism, Type I, Autosomal Dominant; Pseudohypoaldosteronism, Type I, Dominant; PHA I, AUTOSOMAL DOMINANT. Identifiers: Orphanet 171871, Orphanet 756, MedGen C1449842, MONDO:0008329, OMIM 177735.

Allele frequency attached by ClinVar (database versions not stated): ExAC 0.00013; ESP Exome Variant Server 0.00015; gnomAD exomes 0.00015 and 0.00032; gnomAD 0.00017 and 0.00019; TOPMed 0.00023.
gnomAD v4.1: 505 of 1,614,066 alleles (0.031%); highest among the groups gnomAD compares: Non-Finnish European, 0.04%; 1 homozygote.

Submissions (3):

Labcorp Genetics (formerly Invitae), Labcorp
Classification: Uncertain significance. Last evaluated: 2025-04-19. Review status: criteria provided, single submitter. Criteria: Invitae Variant Classification Sherloc (09022015). Collection method: clinical testing. Allele origin: germline.
Comment: This sequence change replaces phenylalanine, which is neutral and non-polar, with leucine, which is neutral and non-polar, at codon 460 of the NR3C2 protein (p.Phe460Leu). This variant is present in population databases (rs149589666, gnomAD 0.03%), and has an allele count higher than expected for a pathogenic variant. This variant has not been reported in the literature in individuals affected with NR3C2-related conditions. ClinVar contains an entry for this variant (Variation ID: 903349). Invitae Evidence Modeling of protein sequence and biophysical properties (such as structural, functional, and spatial information, amino acid conservation, physicochemical variation, residue mobility, and thermodynamic stability) indicates that this missense variant is not expected to disrupt NR3C2 protein function with a negative predictive value of 80%. In summary, the available evidence is currently insufficient to determine the role of this variant in disease. Therefore, it has been classified as a Variant of Uncertain Significance.

Ambry Genetics
Classification: Uncertain significance for Inborn genetic diseases. Last evaluated: 2022-12-21. Review status: criteria provided, single submitter. Criteria: Ambry Variant Classification Scheme 2023. Collection method: clinical testing. Allele origin: germline.

Illumina Laboratory Services, Illumina
Classification: Likely benign for Autosomal dominant pseudohypoaldosteronism type 1. Last evaluated: 2018-01-13. Review status: criteria provided, single submitter. Criteria: ICSL Variant Classification Criteria 13 December 2019. Collection method: clinical testing. Allele origin: germline.
Comment: This variant was observed in the ICSL laboratory as part of a predisposition screen in an ostensibly healthy population. It had not been previously curated by ICSL or reported in the Human Gene Mutation Database (HGMD: prior to June 1st, 2018), and was therefore a candidate for classification through an automated scoring system. Utilizing variant allele frequency, disease prevalence and penetrance estimates, and inheritance mode, an automated score was calculated to assess if this variant is too frequent to cause the disease. Based on the score and internal cut-off values, a variant classified as likely benign is not then subjected to further curation. The score for this variant resulted in a classification of likely benign for this disease.